The following is an entry in ClinVar:

NM_198123.2(CSMD3):c.9732G>T (p.Leu3244=)

Gene: CSMD3 (CUB and Sushi multiple domains 3; minus strand). Cytogenetic location: 8q23.3.
Variant type: single nucleotide variant.
Coding change: c.9732G>T on transcript NM_198123.2 (MANE Select); coding-DNA position 9732, G replaced by T.
Protein change: p.Leu3244=; no amino-acid change (leucine 3244 retained).
Molecular consequence: synonymous variant.
Genome position (GRCh38, 1-based): chr8:112,263,769, C>A on the plus strand (G>T on the coding strand, the complement: CSMD3 is on the minus strand). VCF-style: chr8-112263769-C-A. GRCh37 (hg19) VCF-style: chr8-113275998-C-A.
Other names: c.9132G>T, p.Leu3044= (NM_001363185.1); c.9225G>T, p.Leu3075= (NM_052900.3); c.9612G>T, p.Leu3204= (NM_198124.2).
Identifiers: ClinVar variation 785260 (VCV000785260.6), dbSNP rs115208768, ClinGen allele CA4848596.

ClinVar aggregate classification (germline): Benign. Review status: criteria provided, multiple submitters, no conflicts (2 of 4 stars). 3 submissions from 3 submitters: Benign (2). 1 of the submissions does not count toward it. Last evaluated 2018-05-31.

Conditions:
CSMD3-related disorder. Also called: CSMD3-related condition.

Allele frequency attached by ClinVar (database versions not stated): gnomAD 0.01147 and 0.01247; ESP Exome Variant Server 0.01215; gnomAD exomes 0.00105 and 0.00292; 1000 Genomes Project 0.01058; 1000 Genomes Project 30x 0.01093; TOPMed 0.01271; ExAC 0.00365.
gnomAD v4.1: 3,354 of 1,613,802 alleles (0.21%); highest among the groups gnomAD compares: African/African-American, 4%; 70 homozygotes.

Submissions (3):

Labcorp Genetics (formerly Invitae), Labcorp
Classification: Benign. Last evaluated: 2018-05-31. Review status: criteria provided, single submitter. Criteria: Invitae Variant Classification Sherloc (09022015). Collection method: clinical testing. Allele origin: germline.

Breakthrough Genomics
Classification: Benign. Review status: criteria provided, single submitter. Criteria: ACMG Guidelines, 2015. Collection method: not provided. Allele origin: germline. Inheritance: Unknown mechanism. Affected: yes.

PreventionGenetics, part of Exact Sciences
Classification: Benign for CSMD3-related condition. Last evaluated: 2019-03-19. Review status: no assertion criteria provided. Collection method: clinical testing. Allele origin: germline. Not counted in ClinVar's aggregate classification.
Comment: This variant is classified as benign based on ACMG/AMP sequence variant interpretation guidelines (Richards et al. 2015 PMID: 25741868, with internal and published modifications).